The following is an entry in ClinVar:

ClinVar aggregate classification (germline): Uncertain significance (1 of 4 stars; one submission).

gnomAD v4.1: 2 of 1,580,674 alleles (0.00013%); highest among the groups gnomAD compares: Middle Eastern, 0.033%; no homozygotes.

Submission:

GeneDx
Classification: Uncertain significance. Last evaluated: 2023-11-22. Review status: criteria provided, single submitter. Criteria: GeneDx Variant Classification Process June 2021. Collection method: clinical testing. Allele origin: germline. Affected: yes.
Comment: Not observed at significant frequency in large population cohorts (gnomAD); In silico analysis supports that this missense variant does not alter protein structure/function; Has not been previously published as pathogenic or benign to our knowledge

NM_001814.6(CTSC):c.64G>C (p.Val22Leu)

Genes: CTSC (cathepsin C; minus strand), LOC130006572 (ATAC-STARR-seq lymphoblastoid active region 5382; plus strand). Cytogenetic location: 11q14.2.
Variant type: single nucleotide variant.
Coding change: c.64G>C on transcript NM_001814.6 (MANE Select); coding-DNA position 64, G replaced by C.
Protein change: p.Val22Leu; replaces valine 22 with leucine.
Molecular consequence: missense variant.
Genome position (GRCh38, 1-based): chr11:88,337,609, C>G on the plus strand (G>C on the coding strand, the complement: CTSC is on the minus strand). VCF-style: chr11-88337609-C-G. GRCh37 (hg19) VCF-style: chr11-88070777-C-G.
Other names: c.64G>C, p.Val22Leu (NM_001114173.3, NM_148170.5); short protein forms V22L.
Identifiers: ClinVar variation 3364474 (VCV003364474.1).